The following is an entry in ClinVar:

ClinVar aggregate classification (germline): Uncertain significance (1 of 4 stars; one submission).

Conditions:
Saldino-Mainzer syndrome (SRTD9). Also called: short-rib thoracic dysplasia 9 with or without polydactyly; CONORENAL SYNDROME; Renal dysplasia, retinal pigmentary dystrophy, cerebellar ataxia and skeletal dysplasia; SHORT-RIB THORACIC DYSPLASIA 9 WITHOUT POLYDACTYLY. Identifiers: Orphanet 140969, MedGen C1849437, MONDO:0009964, OMIM 266920.

Allele frequency attached by ClinVar (database versions not stated): gnomAD exomes below 0.00001; TOPMed below 0.00001; gnomAD 0.00001.
gnomAD v4.1: 3 of 1,607,036 alleles (0.00019%); highest among the groups gnomAD compares: Non-Finnish European, 0.00025%; no homozygotes.

Submission:

Labcorp Genetics (formerly Invitae), Labcorp
Classification: Uncertain significance for Saldino-Mainzer syndrome. Last evaluated: 2022-04-16. Review status: criteria provided, single submitter. Criteria: Invitae Variant Classification Sherloc (09022015). Collection method: clinical testing. Allele origin: germline.
Comment: This variant has not been reported in the literature in individuals affected with IFT140-related conditions. In summary, the available evidence is currently insufficient to determine the role of this variant in disease. Therefore, it has been classified as a Variant of Uncertain Significance. Algorithms developed to predict the effect of missense changes on protein structure and function are either unavailable or do not agree on the potential impact of this missense change (SIFT: "Tolerated"; PolyPhen-2: "Possibly Damaging"; Align-GVGD: "Class C0"). This variant is not present in population databases (gnomAD no frequency). This sequence change replaces lysine, which is basic and polar, with arginine, which is basic and polar, at codon 1312 of the IFT140 protein (p.Lys1312Arg).

NM_014714.4(IFT140):c.3935A>G (p.Lys1312Arg)

Gene: IFT140 (intraflagellar transport 140; minus strand). Cytogenetic location: 16p13.3.
Variant type: single nucleotide variant.
Coding change: c.3935A>G on transcript NM_014714.4 (MANE Select); coding-DNA position 3935, A replaced by G.
Protein change: p.Lys1312Arg; replaces lysine 1312 with arginine.
Molecular consequence: missense variant.
Genome position (GRCh38, 1-based): chr16:1,519,986, T>C on the plus strand (A>G on the coding strand, the complement: IFT140 is on the minus strand). VCF-style: chr16-1519986-T-C. GRCh37 (hg19) VCF-style: chr16-1569987-T-C.
Other names: short protein forms K1312R.
Identifiers: ClinVar variation 2196505 (VCV002196505.4), dbSNP rs753810506, ClinGen allele CA276675320.
Genomic context (GRCh38, chr16:1,519,986, plus strand): 5'-AGCTGCGCCAGCCTGGTCTCCTGGTCCAGGGGGCTCTTGGCCTTGGCCTTGGCCAGGCAC[T>C]TGTAGGCCTCGGTCAGCGCCCCGTGGGCTTTGTCGTAGTTCTGGTATTCATCAATCTCCA-3'
Protein context (NP_055529.2, residues 1302-1322): KAHGALTEAY[Lys1312Arg]CLAKAKAKSP